The following is an entry in ClinVar:

ClinVar aggregate classification (germline): Uncertain significance (1 of 4 stars; one submission).

Allele frequency attached by ClinVar (database versions not stated): gnomAD 0.00001 and 0.00002; ExAC 0.00002; gnomAD exomes 0.00002; TOPMed 0.00002.

Submission:

Labcorp Genetics (formerly Invitae), Labcorp
Classification: Uncertain significance. Last evaluated: 2025-07-27. Review status: criteria provided, single submitter. Criteria: Invitae Variant Classification Sherloc (09022015). Collection method: clinical testing. Allele origin: germline.
Comment: This sequence change replaces serine, which is neutral and polar, with leucine, which is neutral and non-polar, at codon 128 of the ANKZF1 protein (p.Ser128Leu). This variant is present in population databases (rs768829938, gnomAD 0.01%). This variant has not been reported in the literature in individuals affected with ANKZF1-related conditions. ClinVar contains an entry for this variant (Variation ID: 1422687). An algorithm developed to predict the effect of missense changes on protein structure and function (PolyPhen-2) suggests that this variant is likely to be disruptive. In summary, the available evidence is currently insufficient to determine the role of this variant in disease. Therefore, it has been classified as a Variant of Uncertain Significance.

NM_018089.3(ANKZF1):c.383C>T (p.Ser128Leu)

Gene: ANKZF1 (ankyrin repeat and zinc finger peptidyl tRNA hydrolase 1; plus strand). Cytogenetic location: 2q35.
Variant type: single nucleotide variant.
Coding change: c.383C>T on transcript NM_018089.3 (MANE Select); coding-DNA position 383, C replaced by T.
Protein change: p.Ser128Leu; replaces serine 128 with leucine.
Molecular consequence: missense variant. On other transcripts: 5 prime UTR variant (1).
Genome position (GRCh38, 1-based): chr2:219,232,508, C>T. VCF-style: chr2-219232508-C-T. GRCh37 (hg19) VCF-style: chr2-220097230-C-T.
Other names: c.383C>T, p.Ser128Leu (NM_001042410.2); c.-248C>T (NM_001282792.2); short protein forms S128L.
Identifiers: ClinVar variation 1422687 (VCV001422687.8), dbSNP rs768829938, ClinGen allele CA2120742.